The following is an entry in ClinVar:

ClinVar aggregate classification (germline): Benign (1 of 4 stars; one submission).

Conditions:
CEDNIK syndrome. Also called: CEREBRAL DYSGENESIS, NEUROPATHY, ICHTHYOSIS, AND PALMOPLANTAR KERATODERMA SYNDROME; Cerebral dysgenesis, neuropathy, ichthyosis, and palmoplantar keratoderma. Identifiers: Orphanet 66631, MedGen C1836033, MONDO:0012290, OMIM 609528.

Allele frequency attached by ClinVar (database versions not stated): gnomAD exomes 0.00502; gnomAD 0.04330 and 0.04630; 1000 Genomes Project 0.04752; TOPMed 0.04970; 1000 Genomes Project 30x 0.05278.
gnomAD v4.1: 6,281 of 158,828 alleles (4%); highest among the groups gnomAD compares: African/African-American, 15%; 438 homozygotes.

Submission:

Illumina Laboratory Services, Illumina
Classification: Benign for CEDNIK syndrome. Last evaluated: 2018-01-13. Review status: criteria provided, single submitter. Criteria: ICSL Variant Classification Criteria 13 December 2019. Collection method: clinical testing. Allele origin: germline.
Comment: This variant was observed in the ICSL laboratory as part of a predisposition screen in an ostensibly healthy population. It had not been previously curated by ICSL or reported in the Human Gene Mutation Database (HGMD: prior to June 1st, 2018), and was therefore a candidate for classification through an automated scoring system. Utilizing variant allele frequency, disease prevalence and penetrance estimates, and inheritance mode, an automated score was calculated to assess if this variant is too frequent to cause the disease. Based on the score and internal cut-off values, a variant classified as benign is not then subjected to further curation. The score for this variant resulted in a classification of benign for this disease.

NM_004782.4(SNAP29):c.*2856G>A

Gene: SNAP29 (synaptosome associated protein 29; plus strand). Cytogenetic location: 22q11.21.
Variant type: single nucleotide variant.
Coding change: c.*2856G>A on transcript NM_004782.4 (MANE Select); 2856 bases downstream of the stop codon, G replaced by A.
Molecular consequence: 3 prime UTR variant.
Genome position (GRCh38, 1-based): chr22:20,890,692, G>A. VCF-style: chr22-20890692-G-A. GRCh37 (hg19) VCF-style: chr22-21244980-G-A.
Identifiers: ClinVar variation 340892 (VCV000340892.5), dbSNP rs9625044, ClinGen allele CA10653246.